The following is an entry in ClinVar:

ClinVar aggregate classification (germline): Conflicting classifications of pathogenicity. Review status: criteria provided, conflicting classifications (1 of 4 stars). 6 submissions from 6 submitters: Likely pathogenic (2); Uncertain significance (3). 1 of the submissions does not count toward it. Last evaluated 2025-12-23.

Conditions:
Hereditary cancer-predisposing syndrome. Also called: Hereditary Cancer Syndrome; Tumor predisposition; Neoplastic Syndromes, Hereditary; Hereditary neoplastic syndrome. Identifiers: Orphanet 140162, MedGen C0027672, MeSH D009386, MONDO:0015356.
Ataxia-telangiectasia syndrome (AT). Also called: ATAXIA-TELANGIECTASIA, COMPLEMENTATION GROUP A; ATAXIA-TELANGIECTASIA, FRESNO VARIANT; Ataxia-telangiectasia; Ataxia-telangiectasia, complementation group E; Cerebello-oculocutaneous telangiectasia; Immunodeficiency with ataxia telangiectasia. Identifiers: Orphanet 100, MedGen C0004135, MONDO:0008840, OMIM 208900.

Submissions (6):

Labcorp Genetics (formerly Invitae), Labcorp
Classification: Uncertain significance for Ataxia-telangiectasia syndrome. Last evaluated: 2025-12-23. Review status: criteria provided, single submitter. Criteria: Invitae Variant Classification Sherloc (09022015). Collection method: clinical testing. Allele origin: germline.
Comment: This sequence change falls in intron 53 of the ATM gene. It does not directly change the encoded amino acid sequence of the ATM protein. RNA analysis indicates that this variant induces altered splicing and may result in an absent or altered protein product. This variant is not present in population databases (gnomAD no frequency). This variant has been observed in individual(s) with clinical features of ataxia-telangiectasia (PMID: 15390180, 29906526). This variant is also known as IVS55 +5 delG. ClinVar contains an entry for this variant (Variation ID: 188745). Variants that disrupt the consensus splice site are a relatively common cause of aberrant splicing (PMID: 17576681, 9536098). Studies have shown that this variant results in skipping of exon 53, and produces a non-functional protein and/or introduces a premature termination codon (internal data). In summary, the available evidence is currently insufficient to determine the role of this variant in disease. Therefore, it has been classified as a Variant of Uncertain Significance.

Ambry Genetics
Classification: Likely pathogenic for Hereditary cancer-predisposing syndrome. Last evaluated: 2025-12-18. Review status: criteria provided, single submitter. Criteria: Ambry Variant Classification Scheme 2023. Collection method: clinical testing. Allele origin: germline.
Comment: The c.7927+5delG intronic variant, located in intron 52 of the ATM gene, results from a deletion of one nucleotide within intron 52 of the ATM gene. This variant has been reported in individual(s) with ataxia-telangiectasia and designated as IVS55+5delG and 7789del139 (Cavaciuti E et al. Genes Chromosomes Cancer, 2005 Jan;42:1-9). This nucleotide position is highly conserved in available vertebrate species. In silico splice site analysis predicts that this alteration will weaken the native splice donor site. RNA studies have demonstrated that this alteration results in abnormal splicing in the set of samples tested (Ambry internal data). This variant is considered to be rare based on population cohorts in the Genome Aggregation Database (gnomAD). Based on the majority of available evidence to date, this variant is likely to be pathogenic.

3billion
Classification: Uncertain significance for Ataxia-telangiectasia syndrome. Last evaluated: 2025-02-24. Review status: criteria provided, single submitter. Criteria: ACMG Guidelines, 2015. Collection method: clinical testing. Allele origin: germline. Affected: yes.
Comment: The variant is not observed in the gnomAD v4.1.0 dataset. Predicted Consequence/Location: Intron variant In silico tools predict the variant to alter splicing and produce an abnormal transcript [SpliceAI: 0.83 (>=0.2, moderate evidence for spliceogenicity)]. The variant has been reported to be associated with ATM-related disorder (ClinVar ID: VCV000188745 /PMID: 15390180). However, the evidence of pathogenicity is insufficient at this time. Therefore, this variant is classified as VUS according to the recommendation of ACMG/AMP guideline.

Athena Diagnostics
Classification: Uncertain significance. Last evaluated: 2024-03-05. Review status: criteria provided, single submitter. Criteria: Athena Diagnostics Criteria. Collection method: clinical testing. Allele origin: unknown.
Comment: Available data are insufficient to determine the clinical significance of the variant at this time. This variant has been identified in at least one individual with clinical features associated with this gene. This variant has not been reported in large, multi-ethnic general populations. Computational tools yielded predictions that this variant may interfere with normal RNA splicing.

GeneDx
Classification: Likely pathogenic. Last evaluated: 2023-12-28. Review status: criteria provided, single submitter. Criteria: GeneDx Variant Classification Process June 2021. Collection method: clinical testing. Allele origin: germline. Affected: yes.
Comment: Intronic +5 splice site variant in a gene for which loss-of-function is a known mechanism of disease, and splice predictors support a deleterious effect; Observed in association with ataxia telangiectasia (PMID: 15390180); Not observed at significant frequency in large population cohorts (gnomAD); Also known as IVS55+5delG; This variant is associated with the following publications: (PMID: 31691010, 27535533, 15390180)

Counsyl
Classification: Likely pathogenic for Ataxia-telangiectasia syndrome. Last evaluated: 2014-04-03. Review status: no assertion criteria provided. Collection method: literature only. Allele origin: unknown. Inheritance: Autosomal recessive inheritance. Not counted in ClinVar's aggregate classification.

Literature cited by the submitters: PubMed 15390180 (cited by 5 submitters); PubMed 29906526 (cited by Labcorp Genetics (formerly Invitae), Labcorp and Athena Diagnostics); PubMed 17576681 (cited by Labcorp Genetics (formerly Invitae), Labcorp); PubMed 9536098 (cited by Labcorp Genetics (formerly Invitae), Labcorp).

NM_000051.4(ATM):c.7927+5del

Genes: ATM (ATM serine/threonine kinase; plus strand), C11orf65 (chromosome 11 open reading frame 65; minus strand). Cytogenetic location: 11q22.3.
Variant type: Deletion.
Coding change: c.7927+5del on transcript NM_000051.4 (MANE Select); 5 bases into the intron after coding-DNA position 7927, one base deleted (G; older notation c.7927+5delG).
Molecular consequence: intron variant.
Genome position (GRCh38, 1-based): chr11:108,332,905, G deleted. VCF-style (leftmost placement, unchanged base first): chr11-108332904-TG-T. GRCh37 (hg19) VCF-style: chr11-108203631-TG-T.
Other names: c.7927+5del (NM_001351834.2); c.641-23834del (NM_001330368.2); c.*38+2315del (NM_001351110.2); c.7927+5delG (NM_000051.3).
Identifiers: ClinVar variation 188745 (VCV000188745.21), dbSNP rs786204437, ClinGen allele CA273903.